The following is an entry in ClinVar:

ClinVar aggregate classification (germline): Benign (1 of 4 stars; one submission).

Allele frequency attached by ClinVar (database versions not stated): 1000 Genomes Project 0.62839; 1000 Genomes Project 30x 0.63601; gnomAD 0.66058 and 0.67368; TOPMed 0.67027.
gnomAD v4.1: 100,046 of 151,436 alleles (66%); highest among the groups gnomAD compares: African/African-American, 90%; 34,735 homozygotes.

Submission:

GeneDx
Classification: Benign. Last evaluated: 2018-06-16. Review status: criteria provided, single submitter. Criteria: GeneDx Variant Classification (06012015). Collection method: clinical testing. Allele origin: germline. Affected: yes.
Comment: This variant is considered likely benign or benign based on one or more of the following criteria: it is a conservative change, it occurs at a poorly conserved position in the protein, it is predicted to be benign by multiple in silico algorithms, and/or has population frequency not consistent with disease.

NM_001184.4(ATR):c.4852+256T>C

Gene: ATR (ATR checkpoint kinase; minus strand). Cytogenetic location: 3q23.
Variant type: single nucleotide variant.
Coding change: c.4852+256T>C on transcript NM_001184.4 (MANE Select); 256 bases into the intron after coding-DNA position 4852, T replaced by C.
Molecular consequence: intron variant.
Genome position (GRCh38, 1-based): chr3:142,512,004, A>G on the plus strand (T>C on the coding strand, the complement: ATR is on the minus strand). VCF-style: chr3-142512004-A-G. GRCh37 (hg19) VCF-style: chr3-142230846-A-G.
Other names: c.4660+256T>C (NM_001354579.2).
Identifiers: ClinVar variation 670441 (VCV000670441.1), dbSNP rs9876254, ClinGen allele CA11380745.